The following is an entry in ClinVar:

ClinVar aggregate classification (germline): Pathogenic/Likely pathogenic. Review status: criteria provided, multiple submitters, no conflicts (2 of 4 stars). 3 submissions from 3 submitters: Pathogenic (2); Likely pathogenic (1). Last evaluated 2019-12-12.

Conditions:
Rubinstein-Taybi syndrome due to EP300 haploinsufficiency. Also called: RUBINSTEIN-TAYBI SYNDROME 2; EP300-Related Rubinstein-Taybi Syndrome. Identifiers: Orphanet 353284, Orphanet 783, MedGen C3150941, MONDO:0013364, OMIM 613684.

Allele frequency attached by ClinVar (database versions not stated): gnomAD exomes below 0.00001.

Submissions (3):

Labcorp Genetics (formerly Invitae), Labcorp
Classification: Pathogenic for Rubinstein-Taybi syndrome due to EP300 haploinsufficiency. Last evaluated: 2019-12-12. Review status: criteria provided, single submitter. Criteria: Invitae Variant Classification Sherloc (09022015). Collection method: clinical testing. Allele origin: germline.
Comment: This sequence change replaces methionine with threonine at codon 1588 of the EP300 protein (p.Met1588Thr). The methionine residue is highly conserved and there is a moderate physicochemical difference between methionine and threonine. For these reasons, this variant has been classified as Pathogenic. Algorithms developed to predict the effect of missense changes on protein structure and function (SIFT, PolyPhen-2, Align-GVGD) all suggest that this variant is likely to be disruptive, but these predictions have not been confirmed by published functional studies and their clinical significance is uncertain. This variant has been observed in individual(s) with clinical features of EP300-related conditions (PMID: 30076641, Invitae). In at least one individual the variant was observed to be de novo. ClinVar contains an entry for this variant (Variation ID: 383803). This variant is not present in population databases (ExAC no frequency).

HudsonAlpha Institute for Biotechnology
Classification: Pathogenic for Rubinstein-Taybi syndrome due to EP300 haploinsufficiency. Last evaluated: 2017-03-09. Review status: criteria provided, single submitter. Criteria: HA_assertions_20161101. Collection method: research. Allele origin: de novo. Affected: yes. Observed: 1 variant allele. Study: CSER-HudsonAlpha.

GeneDx
Classification: Likely pathogenic. Last evaluated: 2016-03-04. Review status: criteria provided, single submitter. Criteria: GeneDx Variant Classification (06012015). Collection method: clinical testing. Allele origin: germline. Affected: yes.
Comment: The M1588T variant in the EP300 gene has not been reported previously as a pathogenic variant, nor as a benign variant, to our knowledge. The M1588T variant was not observed in approximately 6500 individuals of European and African American ancestry in the NHLBI Exome Sequencing Project, indicating it is not a common benign variant in these populations. The M1588T variant is a non-conservative amino acid substitution, which is likely to impact secondary protein structure as these residues differ in polarity, charge, size and/or other properties. This substitution occurs at a position that is conserved across species and in silico analysis predicts this variant is probably damaging to the protein structure/function. The M1588T variant is a strong candidate for a pathogenic variant.

Literature cited by the submitters: PubMed 30076641 (cited by Labcorp Genetics (formerly Invitae), Labcorp).

NM_001429.4(EP300):c.4763T>C (p.Met1588Thr)

Gene: EP300 (EP300 lysine acetyltransferase; plus strand). Cytogenetic location: 22q13.2.
Variant type: single nucleotide variant.
Coding change: c.4763T>C on transcript NM_001429.4 (MANE Select); coding-DNA position 4763, T replaced by C.
Protein change: p.Met1588Thr; replaces methionine 1588 with threonine.
Molecular consequence: missense variant.
Genome position (GRCh38, 1-based): chr22:41,173,768, T>C. VCF-style: chr22-41173768-T-C. GRCh37 (hg19) VCF-style: chr22-41569772-T-C.
Other names: c.4685T>C, p.Met1562Thr (NM_001362843.2); short protein forms M1588T, M1562T.
Identifiers: ClinVar variation 383803 (VCV000383803.15), dbSNP rs1057521737, ClinGen allele CA16609101.
Genomic context (GRCh38, chr22:41,173,768, plus strand): 5'-AGAAGAAACCCGGGATGCCCAATGTATCTAACGACCTCTCACAGAAACTATATGCCACCA[T>C]GGAGAAGCATAAAGAGGTAAGATGCAGCCACCCAGAGTTGGGGAAAAACGGCAAGATTTC-3'
Protein context (NP_001420.2, residues 1578-1598): NDLSQKLYAT[Met1588Thr]EKHKEVFFVI